The following is an entry in ClinVar:

NM_152564.5(VPS13B):c.2038A>G (p.Thr680Ala)

Gene: VPS13B (vacuolar protein sorting 13 homolog B; plus strand). Cytogenetic location: 8q22.2.
Variant type: single nucleotide variant.
Coding change: c.2038A>G on transcript NM_152564.5 (MANE Select); coding-DNA position 2038, A replaced by G.
Protein change: p.Thr680Ala; replaces threonine 680 with alanine.
Molecular consequence: missense variant.
Genome position (GRCh38, 1-based): chr8:99,156,573, A>G. VCF-style: chr8-99156573-A-G. GRCh37 (hg19) VCF-style: chr8-100168801-A-G.
Other names: c.2038A>G, p.Thr680Ala (NM_015243.3, NM_017890.5); c.2038A>G (NM_152564.4, NM_017890.3); short protein forms T680A.
Identifiers: ClinVar variation 908347 (VCV000908347.14), dbSNP rs374124369, ClinGen allele CA4822818.

ClinVar aggregate classification (germline): Uncertain significance. Review status: criteria provided, multiple submitters, no conflicts (2 of 4 stars). 5 submissions from 5 submitters: Uncertain significance (4). 1 of the submissions does not count toward it. Last evaluated 2025-06-19.

Conditions:
VPS13B-related disorder. Also called: VPS13B-related condition.
Inborn genetic diseases. Identifiers: MedGen C0950123, MeSH D030342.
Cohen syndrome (COH1). Also called: Cutis verticis gyrata, retinitis pigmentosa, and sensorineural deafness; PEPPER SYNDROME. Identifiers: Orphanet 193, MedGen C0265223, MONDO:0008999, OMIM 216550.

Allele frequency attached by ClinVar (database versions not stated): ExAC 0.00006; TOPMed 0.00006; ESP Exome Variant Server 0.00008; gnomAD exomes 0.00008 and 0.00016; gnomAD 0.00009; 1000 Genomes Project 30x 0.00016; 1000 Genomes Project 0.00020.
gnomAD v4.1: 242 of 1,614,066 alleles (0.015%); highest among the groups gnomAD compares: Non-Finnish European, 0.019%; no homozygotes.

Submissions (5):

Ambry Genetics
Classification: Uncertain significance for Inborn genetic diseases. Last evaluated: 2025-06-19. Review status: criteria provided, single submitter. Criteria: Ambry Variant Classification Scheme 2023. Collection method: clinical testing. Allele origin: germline.

Blueprint Genetics
Classification: Uncertain significance. Last evaluated: 2024-10-25. Review status: criteria provided, single submitter. Criteria: ACMG Guidelines, 2015. Collection method: clinical testing. Allele origin: germline.

Labcorp Genetics (formerly Invitae), Labcorp
Classification: Uncertain significance for Cohen syndrome. Last evaluated: 2022-10-24. Review status: criteria provided, single submitter. Criteria: Invitae Variant Classification Sherloc (09022015). Collection method: clinical testing. Allele origin: germline.
Comment: This sequence change replaces threonine, which is neutral and polar, with alanine, which is neutral and non-polar, at codon 680 of the VPS13B protein (p.Thr680Ala). This variant is present in population databases (rs374124369, gnomAD 0.01%). This variant has not been reported in the literature in individuals affected with VPS13B-related conditions. ClinVar contains an entry for this variant (Variation ID: 908347). Advanced modeling of protein sequence and biophysical properties (such as structural, functional, and spatial information, amino acid conservation, physicochemical variation, residue mobility, and thermodynamic stability) performed at Invitae indicates that this missense variant is not expected to disrupt VPS13B protein function. In summary, the available evidence is currently insufficient to determine the role of this variant in disease. Therefore, it has been classified as a Variant of Uncertain Significance.

Illumina Laboratory Services, Illumina
Classification: Uncertain significance for Cohen syndrome. Last evaluated: 2018-01-12. Review status: criteria provided, single submitter. Criteria: ICSL Variant Classification Criteria 13 December 2019. Collection method: clinical testing. Allele origin: germline.

PreventionGenetics, part of Exact Sciences
Classification: Uncertain significance for VPS13B-related condition. Last evaluated: 2023-11-27. Review status: no assertion criteria provided. Collection method: clinical testing. Allele origin: germline. Not counted in ClinVar's aggregate classification.
Comment: The VPS13B c.2038A>G variant is predicted to result in the amino acid substitution p.Thr680Ala. To our knowledge, this variant has not been reported in the literature. This variant is reported in 0.013% of alleles in individuals of European (Non-Finnish) descent in gnomAD. At this time, the clinical significance of this variant is uncertain due to the absence of conclusive functional and genetic evidence.